The following is an entry in ClinVar:

NM_001008537.3(NEXMIF):c.1731A>G (p.Lys577=)

Gene: NEXMIF (neurite extension and migration factor; minus strand). Cytogenetic location: Xq13.3.
Variant type: single nucleotide variant.
Coding change: c.1731A>G on transcript NM_001008537.3 (MANE Select); coding-DNA position 1731, A replaced by G.
Protein change: p.Lys577=; no amino-acid change (lysine 577 retained).
Molecular consequence: synonymous variant.
Genome position (GRCh38, 1-based): chrX:74,742,826, T>C on the plus strand (A>G on the coding strand, the complement: NEXMIF is on the minus strand). VCF-style: chrX-74742826-T-C. GRCh37 (hg19) VCF-style: chrX-73962661-T-C.
Identifiers: ClinVar variation 1652470 (VCV001652470.9), dbSNP rs1258552998, ClinGen allele CA517467623.

ClinVar aggregate classification (germline): Likely benign. Review status: criteria provided, multiple submitters, no conflicts (2 of 4 stars). 2 submissions from 2 submitters: Likely benign (2). Last evaluated 2026-08-01.

Allele frequency attached by ClinVar (database versions not stated): gnomAD exomes below 0.00001 and 0.00001; TOPMed 0.00001.
gnomAD v4.1: 2 of 1,211,449 alleles (0.00017%); highest among the groups gnomAD compares: Admixed American, 0.0044%; no homozygotes.

Submissions (2):

CeGaT Center for Human Genetics Tuebingen
Classification: Likely benign. Last evaluated: 2026-08-01. Review status: criteria provided, single submitter. Criteria: CeGaT Center For Human Genetics Tuebingen Variant Classification Criteria Version 2. Collection method: clinical testing. Allele origin: germline. Affected: yes. Observed: 1 variant allele.
Comment: NEXMIF: BP4, BP7

Labcorp Genetics (formerly Invitae), Labcorp
Classification: Likely benign. Last evaluated: 2024-12-16. Review status: criteria provided, single submitter. Criteria: Invitae Variant Classification Sherloc (09022015). Collection method: clinical testing. Allele origin: germline.